The following is an entry in ClinVar:

NM_006363.6(SEC23B):c.1424A>G (p.Gln475Arg)

Gene: SEC23B (SEC23 homolog B, COPII component; plus strand). Cytogenetic location: 20p11.23.
Variant type: single nucleotide variant.
Coding change: c.1424A>G on transcript NM_006363.6 (MANE Select); coding-DNA position 1424, A replaced by G.
Protein change: p.Gln475Arg; replaces glutamine 475 with arginine.
Molecular consequence: missense variant.
Genome position (GRCh38, 1-based): chr20:18,542,315, A>G. VCF-style: chr20-18542315-A-G. GRCh37 (hg19) VCF-style: chr20-18522959-A-G.
Other names: c.1424A>G, p.Gln475Arg (NM_001172745.3, NM_032985.6, NM_032986.5); c.1370A>G, p.Gln457Arg (NM_001172746.3); short protein forms Q457R, Q475R.
Identifiers: ClinVar variation 3757701 (VCV003757701.2).

ClinVar aggregate classification (germline): Uncertain significance (1 of 4 stars; one submission).

Conditions:
Cowden syndrome 7 (CWS7). Identifiers: Orphanet 201, MedGen C4225179, MONDO:0014802, OMIM 616858.
Congenital dyserythropoietic anemia, type II (CDAN2). Also called: DYSERYTHROPOIETIC ANEMIA, HEMPAS TYPE. Identifiers: Orphanet 98873, MedGen C1306589, MONDO:0009134, OMIM 224100.

Submission:

Labcorp Genetics (formerly Invitae), Labcorp
Classification: Uncertain significance for Congenital dyserythropoietic anemia, type II; Cowden syndrome 7. Last evaluated: 2024-09-14. Review status: criteria provided, single submitter. Criteria: Invitae Variant Classification Sherloc (09022015). Collection method: clinical testing. Allele origin: germline.
Comment: This sequence change replaces glutamine, which is neutral and polar, with arginine, which is basic and polar, at codon 475 of the SEC23B protein (p.Gln475Arg). This variant is not present in population databases (gnomAD no frequency). This variant has not been reported in the literature in individuals affected with SEC23B-related conditions. Invitae Evidence Modeling of protein sequence and biophysical properties (such as structural, functional, and spatial information, amino acid conservation, physicochemical variation, residue mobility, and thermodynamic stability) has been performed for this missense variant. However, the output from this modeling did not meet the statistical confidence thresholds required to predict the impact of this variant on SEC23B protein function. In summary, the available evidence is currently insufficient to determine the role of this variant in disease. Therefore, it has been classified as a Variant of Uncertain Significance.